The following is an entry in ClinVar:

NM_003803.4(MYOM1):c.2421T>C (p.Tyr807=)

Gene: MYOM1 (myomesin 1; minus strand). Cytogenetic location: 18p11.31.
Variant type: single nucleotide variant.
Coding change: c.2421T>C on transcript NM_003803.4 (MANE Select); coding-DNA position 2421, T replaced by C.
Protein change: p.Tyr807=; no amino-acid change (tyrosine 807 retained).
Molecular consequence: synonymous variant.
Genome position (GRCh38, 1-based): chr18:3,131,460, A>G on the plus strand (T>C on the coding strand, the complement: MYOM1 is on the minus strand). VCF-style: chr18-3131460-A-G. GRCh37 (hg19) VCF-style: chr18-3131458-A-G.
Other names: c.2421T>C, p.Tyr807= (NM_019856.2).
Identifiers: ClinVar variation 3030913 (VCV003030913.3), dbSNP rs897035716, ClinGen allele CA295516889.
Genomic context (GRCh38, chr18:3,131,460, plus strand): 5'-TTCTGAATCCTGGGAATATTCACTAAGTCCAGCTGCATTGACTGCTCTGACCCGGAAAAT[A>G]TAACTCTGACCAGTCACTAATCCATGACAAGTGAATCTAAAAGGAAAACAAGTTTTAAAA-3'
Protein context (NP_003794.3, residues 797-817): TCHGLVTGQS[Tyr807=]IFRVRAVNAA

ClinVar aggregate classification (germline): Likely benign. Review status: criteria provided, single submitter (1 of 4 stars). 2 submissions from 2 submitters: Likely benign (1). 1 of the submissions does not count toward it. Last evaluated 2024-04-14.

Conditions:
MYOM1-related disorder.

Allele frequency attached by ClinVar (database versions not stated): gnomAD exomes 0.00001; TOPMed 0.00001.
gnomAD v4.1: 16 of 1,613,912 alleles (0.00099%); highest among the groups gnomAD compares: East Asian, 0.0022%; no homozygotes.

Submissions (2):

Ambry Genetics
Classification: Likely benign. Last evaluated: 2024-04-14. Review status: criteria provided, single submitter. Criteria: Ambry Variant Classification Scheme 2023. Collection method: clinical testing. Allele origin: germline.

PreventionGenetics, part of Exact Sciences
Classification: Likely benign for MYOM1-related condition. Last evaluated: 2021-12-10. Review status: no assertion criteria provided. Collection method: clinical testing. Allele origin: germline. Not counted in ClinVar's aggregate classification.
Comment: This variant is classified as likely benign based on ACMG/AMP sequence variant interpretation guidelines (Richards et al. 2015 PMID: 25741868, with internal and published modifications).